The following is an entry in ClinVar:

ClinVar aggregate classification (germline): Uncertain significance (1 of 4 stars; one submission).

Conditions:
Lipoic acid synthetase deficiency. Also called: HYPERGLYCINEMIA, LACTIC ACIDOSIS, AND SEIZURES. Identifiers: Orphanet 401859, MedGen C3280887, MONDO:0013762, OMIM 614462.

Submission:

Labcorp Genetics (formerly Invitae), Labcorp
Classification: Uncertain significance for Lipoic acid synthetase deficiency. Last evaluated: 2019-05-27. Review status: criteria provided, single submitter. Criteria: Invitae Variant Classification Sherloc (09022015). Collection method: clinical testing. Allele origin: germline.
Comment: This sequence change falls in intron 2 of the LIAS gene. It does not directly change the encoded amino acid sequence of the LIAS protein, but it affects a nucleotide within the consensus splice site of the intron. This variant is not present in population databases (ExAC no frequency). This variant has not been reported in the literature in individuals with LIAS-related conditions. Nucleotide substitutions within the consensus splice site are a relatively common cause of aberrant splicing (PMID: 17576681, 9536098). Algorithms developed to predict the effect of sequence changes on RNA splicing suggest that this variant may disrupt the consensus splice site, but this prediction has not been confirmed by published transcriptional studies. In summary, the available evidence is currently insufficient to determine the role of this variant in disease. Therefore, it has been classified as a Variant of Uncertain Significance.

Literature cited by the submitters: PubMed 17576681; PubMed 9536098.

NM_006859.4(LIAS):c.218+4A>G

Gene: LIAS (lipoic acid synthetase; plus strand). Cytogenetic location: 4p14.
Variant type: single nucleotide variant.
Coding change: c.218+4A>G on transcript NM_006859.4 (MANE Select); 4 bases into the intron after coding-DNA position 218, A replaced by G.
Molecular consequence: intron variant.
Genome position (GRCh38, 1-based): chr4:39,460,966, A>G. VCF-style: chr4-39460966-A-G. GRCh37 (hg19) VCF-style: chr4-39462586-A-G.
Other names: c.218+4A>G (NM_194451.3, NM_001278590.2, NM_001363700.2 and 2 more transcripts).
Identifiers: ClinVar variation 933878 (VCV000933878.7), dbSNP rs1744469769, ClinGen allele CA1139658473.